The following is an entry in ClinVar:

NM_024596.5(MCPH1):c.1226A>T (p.Glu409Val)

Gene: MCPH1 (microcephalin 1; plus strand). Cytogenetic location: 8p23.1.
Variant type: single nucleotide variant.
Coding change: c.1226A>T on transcript NM_024596.5 (MANE Select); coding-DNA position 1226, A replaced by T.
Protein change: p.Glu409Val; replaces glutamic acid 409 with valine.
Molecular consequence: missense variant. On other transcripts: non-coding transcript variant (1).
Genome position (GRCh38, 1-based): chr8:6,444,948, A>T. VCF-style: chr8-6444948-A-T. GRCh37 (hg19) VCF-style: chr8-6302469-A-T.
Other names: c.1226A>T, p.Glu409Val (NM_001363980.2, NM_001172574.2, NM_001322042.2 and 1 more transcripts); c.1226A>T (NM_001322042.1); c.1082A>T, p.Glu361Val (NM_001172575.2); c.1220A>T, p.Glu407Val (NM_001322043.2); c.1124A>T, p.Glu375Val (NM_001322045.2); short protein forms E361V, E375V, E409V, E407V.
Identifiers: ClinVar variation 909149 (VCV000909149.12), dbSNP rs200518541, ClinGen allele CA4610498.

ClinVar aggregate classification (germline): Uncertain significance. Review status: criteria provided, multiple submitters, no conflicts (2 of 4 stars). 6 submissions from 6 submitters: Uncertain significance (6). Last evaluated 2026-04-24.

Conditions:
Inborn genetic diseases. Identifiers: MedGen C0950123, MeSH D030342.
Microcephaly 1, primary, autosomal recessive (MCPH1). Also called: PCC SYNDROME; PREMATURE CHROMOSOME CONDENSATION WITH MICROCEPHALY AND MENTAL RETARDATION; PREMATURE CHROMOSOME CONDENSATION SYNDROME. Identifiers: Orphanet 2512, MedGen C1855081, MONDO:0009617, OMIM 251200.
MCPH1-related disorder. Also called: MCPH1-related condition.

Allele frequency attached by ClinVar (database versions not stated): gnomAD 0.00022 and 0.00021; ESP Exome Variant Server 0.00024; gnomAD exomes 0.00024; ExAC 0.00030; TOPMed 0.00034.
gnomAD v4.1: 620 of 1,614,184 alleles (0.038%); highest among the groups gnomAD compares: Middle Eastern, 0.17%; no homozygotes.

Submissions (6):

PreventionGenetics, part of Exact Sciences
Classification: Uncertain significance for MCPH1-related condition. Last evaluated: 2026-04-24. Review status: criteria provided, single submitter. Criteria: ACMG Guidelines, 2015. Collection method: clinical testing. Allele origin: germline.
Comment: The MCPH1 c.1226A>T variant is predicted to result in the amino acid substitution p.Glu409Val. To our knowledge, this variant has not been reported in the literature. This variant is reported in 0.041% of alleles in individuals of European (Non-Finnish) descent in gnomAD. At this time, the clinical significance of this variant is uncertain due to the absence of conclusive functional and genetic evidence.

Labcorp Genetics (formerly Invitae), Labcorp
Classification: Uncertain significance. Last evaluated: 2022-08-16. Review status: criteria provided, single submitter. Criteria: Invitae Variant Classification Sherloc (09022015). Collection method: clinical testing. Allele origin: germline.
Comment: This sequence change replaces glutamic acid, which is acidic and polar, with valine, which is neutral and non-polar, at codon 409 of the MCPH1 protein (p.Glu409Val). This variant is present in population databases (rs200518541, gnomAD 0.04%). This variant has not been reported in the literature in individuals affected with MCPH1-related conditions. ClinVar contains an entry for this variant (Variation ID: 909149). Algorithms developed to predict the effect of missense changes on protein structure and function output the following: SIFT: "Not Available"; PolyPhen-2: "Probably Damaging"; Align-GVGD: "Not Available". The valine amino acid residue is found in multiple mammalian species, which suggests that this missense change does not adversely affect protein function. In summary, the available evidence is currently insufficient to determine the role of this variant in disease. Therefore, it has been classified as a Variant of Uncertain Significance.

Ambry Genetics
Classification: Uncertain significance for Inborn genetic diseases. Last evaluated: 2022-05-10. Review status: criteria provided, single submitter. Criteria: Ambry Variant Classification Scheme 2023. Collection method: clinical testing. Allele origin: germline.

GeneDx
Classification: Uncertain significance. Last evaluated: 2019-12-30. Review status: criteria provided, single submitter. Criteria: GeneDx Variant Classification Process June 2021. Collection method: clinical testing. Allele origin: germline. Affected: yes.
Comment: In silico analysis, which includes protein predictors and evolutionary conservation, supports that this variant does not alter protein structure/function; Has not been previously published as pathogenic or benign to our knowledge

Illumina Laboratory Services, Illumina
Classification: Uncertain significance for Microcephaly 1, primary, autosomal recessive. Last evaluated: 2018-01-13. Review status: criteria provided, single submitter. Criteria: ICSL Variant Classification Criteria 13 December 2019. Collection method: clinical testing. Allele origin: germline.

Breakthrough Genomics
Classification: Uncertain significance. Review status: criteria provided, single submitter. Criteria: ACMG Guidelines, 2015. Collection method: not provided. Allele origin: germline. Inheritance: Autosomal recessive inheritance. Affected: yes.